The following is an entry in ClinVar:

NM_000094.4(COL7A1):c.6216G>T (p.Gln2072His)

Gene: COL7A1 (collagen type VII alpha 1 chain; minus strand). Cytogenetic location: 3p21.31.
Variant type: single nucleotide variant.
Coding change: c.6216G>T on transcript NM_000094.4 (MANE Select); coding-DNA position 6216, G replaced by T.
Protein change: p.Gln2072His; replaces glutamine 2072 with histidine.
Molecular consequence: missense variant.
Genome position (GRCh38, 1-based): chr3:48,575,207, C>A on the plus strand (G>T on the coding strand, the complement: COL7A1 is on the minus strand). VCF-style: chr3-48575207-C-A. GRCh37 (hg19) VCF-style: chr3-48612640-C-A.
Other names: short protein forms Q2072H.
Identifiers: ClinVar variation 4801657 (VCV004801657.1).

ClinVar aggregate classification (germline): Uncertain significance (1 of 4 stars; one submission).

Submission:

Labcorp Genetics (formerly Invitae), Labcorp
Classification: Uncertain significance. Last evaluated: 2025-08-19. Review status: criteria provided, single submitter. Criteria: Invitae Variant Classification Sherloc (09022015). Collection method: clinical testing. Allele origin: germline.
Comment: This sequence change replaces glutamine, which is neutral and polar, with histidine, which is basic and polar, at codon 2072 of the COL7A1 protein (p.Gln2072His). This variant also falls at the last nucleotide of exon 74, which is part of the consensus splice site for this exon. This variant is not present in population databases (gnomAD no frequency). This variant has not been reported in the literature in individuals affected with COL7A1-related conditions. Invitae Evidence Modeling of protein sequence and biophysical properties (such as structural, functional, and spatial information, amino acid conservation, physicochemical variation, residue mobility, and thermodynamic stability) indicates that this missense variant is not expected to disrupt COL7A1 protein function with a negative predictive value of 95%. Variants that disrupt the consensus splice site are a relatively common cause of aberrant splicing (PMID: 17576681, 9536098). Algorithms developed to predict the effect of sequence changes on RNA splicing suggest that this variant may disrupt the consensus splice site. In summary, the available evidence is currently insufficient to determine the role of this variant in disease. Therefore, it has been classified as a Variant of Uncertain Significance.

Literature cited by the submitters: PubMed 17576681; PubMed 9536098.